The following is an entry in ClinVar:

NM_001903.5(CTNNA1):c.2186_2187del (p.Phe729fs)

Gene: CTNNA1 (catenin alpha 1; plus strand). Cytogenetic location: 5q31.2.
Variant type: Deletion.
Coding change: c.2186_2187del on transcript NM_001903.5 (MANE Select); coding-DNA positions 2186 to 2187, 2 bases deleted (TT; older notation c.2186_2187delTT).
Protein change: p.Phe729fs; shifts the reading frame from phenylalanine 729.
Molecular consequence: frameshift variant.
Genome position (GRCh38, 1-based): chr5:138,930,648-138,930,649, TT deleted; deleting any 2 consecutive bases within chr5:138,930,647-138,930,649 gives the same sequence; the c. name uses the placement nearest the transcript's 3' end. VCF-style (leftmost placement, unchanged base first): chr5-138930646-CTT-C. GRCh37 (hg19) VCF-style: chr5-138266335-CTT-C.
Other names: c.2186_2187del, p.Phe729fs (NM_001290307.3, NM_001323982.2, NM_001323983.1 and 2 more transcripts); c.1877_1878del, p.Phe626fs (NM_001290309.3); c.1817_1818del, p.Phe606fs (NM_001290310.3); c.1076_1077del, p.Phe359fs (NM_001290312.1, NM_001323987.1, NM_001323988.1 and 17 more transcripts); c.2093_2094del, p.Phe698fs (NM_001323986.2); c.737_738del, p.Phe246fs (NM_001324006.1, NM_001324007.1, NM_001324008.1 and 2 more transcripts); c.983_984del, p.Phe328fs (NM_001324011.1); c.833_834del, p.Phe278fs (NM_001324012.1, NM_001324013.1); short protein forms F698fs, F606fs, F729fs, F246fs, F278fs, F328fs, F359fs, F626fs.
Identifiers: ClinVar variation 1469682 (VCV001469682.6), dbSNP rs2150335187, ClinGen allele CA2573139156.
Genomic context (GRCh38, chr5:138,930,646, plus strand): 5'-TGGCAATGACATCATTGTGCTGGCCAAGCAGATGTGCATGATTATGATGGAGATGACAGA[CTT>C]TACCCGGTGAGCAGCACCCCGGCCCCACCAGGCTGCACAGGGGCTACTTTCTTCCCCACA-3'

ClinVar aggregate classification (germline): Pathogenic (1 of 4 stars; one submission).

Submission:

Labcorp Genetics (formerly Invitae), Labcorp
Classification: Pathogenic. Last evaluated: 2025-12-22. Review status: criteria provided, single submitter. Criteria: Invitae Variant Classification Sherloc (09022015). Collection method: clinical testing. Allele origin: germline.
Comment: This sequence change creates a premature translational stop signal (p.Phe729Tyrfs*4) in the CTNNA1 gene. It is expected to result in an absent or disrupted protein product. Loss-of-function variants in CTNNA1 are known to be pathogenic (PMID: 32051609, 34425242). This variant is not present in population databases (gnomAD no frequency). This variant has not been reported in the literature in individuals affected with CTNNA1-related conditions. ClinVar contains an entry for this variant (Variation ID: 1469682). For these reasons, this variant has been classified as Pathogenic.

Literature cited by the submitters: PubMed 32051609; PubMed 34425242.